The following is an entry in ClinVar:

ClinVar aggregate classification (germline): Benign. Review status: criteria provided, multiple submitters, no conflicts (2 of 4 stars). 6 submissions from 6 submitters: Benign (6). Last evaluated 2026-02-03.

Conditions:
Transcobalamin II deficiency (TCN2D). Also called: TC II DEFICIENCY; TCN2 DEFICIENCY; Transcolabamin II deficiency. Identifiers: Orphanet 859, MedGen C0342701, MONDO:0010149, OMIM 275350.

Allele frequency attached by ClinVar (database versions not stated): gnomAD exomes 0.01328 and 0.02493; ExAC 0.02977; gnomAD 0.07162; 1000 Genomes Project 0.07288; TOPMed 0.07933; 1000 Genomes Project 30x 0.08073; ESP Exome Variant Server 0.08473.

Submissions (6):

Labcorp Genetics (formerly Invitae), Labcorp
Classification: Benign for Transcobalamin II deficiency. Last evaluated: 2026-02-03. Review status: criteria provided, single submitter. Criteria: Invitae Variant Classification Sherloc (09022015). Collection method: clinical testing. Allele origin: germline.

Mayo Clinic Laboratories, Mayo Clinic
Classification: Benign. Last evaluated: 2024-11-14. Review status: criteria provided, single submitter. Criteria: ACMG Guidelines, 2015. Collection method: clinical testing. Allele origin: germline. Observed: 5 variant alleles.
Comment: BA1, BP4

GeneDx
Classification: Benign. Last evaluated: 2021-05-06. Review status: criteria provided, single submitter. Criteria: GeneDx Variant Classification Process June 2021. Collection method: clinical testing. Allele origin: germline. Affected: yes.
Comment: This variant is associated with the following publications: (PMID: 31139930)

Mendelics
Classification: Benign for Transcobalamin II deficiency. Last evaluated: 2019-05-28. Review status: criteria provided, single submitter. Criteria: Mendelics Assertion Criteria 2017. Collection method: clinical testing. Allele origin: unknown.

Illumina Laboratory Services, Illumina
Classification: Benign for Transcobalamin II deficiency. Last evaluated: 2018-01-13. Review status: criteria provided, single submitter. Criteria: ICSL Variant Classification Criteria 13 December 2019. Collection method: clinical testing. Allele origin: germline.
Comment: This variant was observed in the ICSL laboratory as part of a predisposition screen in an ostensibly healthy population. It had not been previously curated by ICSL or reported in the Human Gene Mutation Database (HGMD: prior to June 1st, 2018), and was therefore a candidate for classification through an automated scoring system. Utilizing variant allele frequency, disease prevalence and penetrance estimates, and inheritance mode, an automated score was calculated to assess if this variant is too frequent to cause the disease. Based on the score and internal cut-off values, a variant classified as benign is not then subjected to further curation. The score for this variant resulted in a classification of benign for this disease.

Breakthrough Genomics
Classification: Benign. Review status: criteria provided, single submitter. Criteria: ACMG Guidelines, 2015. Collection method: not provided. Allele origin: germline. Inheritance: Autosomal recessive inheritance. Affected: yes.

Literature cited by the submitters: PubMed 26951924 (cited by Mayo Clinic Laboratories, Mayo Clinic); PubMed 27169753 (cited by Mayo Clinic Laboratories, Mayo Clinic); PubMed 31139930 (cited by Mayo Clinic Laboratories, Mayo Clinic).

NM_000355.4(TCN2):c.643C>T (p.Arg215Trp)

Gene: TCN2 (transcobalamin 2; plus strand). Cytogenetic location: 22q12.2.
Variant type: single nucleotide variant.
Coding change: c.643C>T on transcript NM_000355.4 (MANE Select); coding-DNA position 643, C replaced by T.
Protein change: p.Arg215Trp; replaces arginine 215 with tryptophan.
Molecular consequence: missense variant.
Genome position (GRCh38, 1-based): chr22:30,615,363, C>T. VCF-style: chr22-30615363-C-T. GRCh37 (hg19) VCF-style: chr22-31011350-C-T.
Other names: c.562C>T, p.Arg188Trp (NM_001184726.2); short protein forms R215W, R188W.
Identifiers: ClinVar variation 341200 (VCV000341200.20), dbSNP rs35838082, ClinGen allele CA10184763.